The following is an entry in ClinVar:

ClinVar aggregate classification (germline): Likely pathogenic. Review status: criteria provided, multiple submitters, no conflicts (2 of 4 stars). 3 submissions from 3 submitters: Likely pathogenic (3). Last evaluated 2025-05-21.

Conditions:
Kostmann syndrome (SCN3). Also called: Autosomal recessive severe congenital neutropenia type 3; KOSTMANN DISEASE. Identifiers: Orphanet 99749, MedGen C5235141, MONDO:0012548, OMIM 610738.

Allele frequency attached by ClinVar (database versions not stated): gnomAD exomes 0.00002 and 0.00001; gnomAD 0.00007 and 0.00009; TOPMed 0.00007; ESP Exome Variant Server 0.00008; ExAC 0.00002.

Submissions (5):

Labcorp Genetics (formerly Invitae), Labcorp
Classification: Likely pathogenic for Kostmann syndrome. Last evaluated: 2025-05-21. Review status: criteria provided, single submitter. Criteria: Invitae Variant Classification Sherloc (09022015). Collection method: clinical testing. Allele origin: germline.
Comment: This sequence change affects an acceptor splice site in intron 2 of the HAX1 gene. It is expected to disrupt RNA splicing. Variants that disrupt the donor or acceptor splice site typically lead to a loss of protein function (PMID: 16199547), and loss-of-function variants in HAX1 are known to be pathogenic (PMID: 17187068). This variant is present in population databases (rs371504152, gnomAD 0.02%). This variant has not been reported in the literature in individuals affected with HAX1-related conditions. ClinVar contains an entry for this variant (Variation ID: 653855). Algorithms developed to predict the effect of sequence changes on RNA splicing suggest that this variant may disrupt the consensus splice site. In summary, the currently available evidence indicates that the variant is pathogenic, but additional data are needed to prove that conclusively. Therefore, this variant has been classified as Likely Pathogenic.

Natera, Inc.
Classification: Likely pathogenic for Autosomal recessive severe congenital neutropenia type 3. Last evaluated: 2025-03-21. Review status: criteria provided, single submitter. Criteria: Natera Variant Classification Schema (03/2026). Collection method: clinical testing. Allele origin: germline.
Comment: The c.317-2A>G variant in HAX1 is a canonical splice acceptor site variant predicted to affect pre-mRNA splicing, which may result in an abnormal transcript and altered protein product. This variant is expected to result in nonsense mediated decay, truncation, or a dysfunctional protein product. This variant is rare in the general population with a frequency below the threshold expected for the associated phenotype(s). Given the available evidence, this variant is classified as Likely Pathogenic.

Fulgent Genetics
Classification: Likely pathogenic for Kostmann syndrome. Last evaluated: 2024-01-23. Review status: criteria provided, single submitter. Criteria: ACMG Guidelines, 2015. Collection method: clinical testing. Allele origin: germline.

Dr. Peter K. Rogan Lab, Western University
No classification provided (evidence only). Condition: Familial cancer of breast. Review status: no classification provided. Collection method: in vitro. Allele origin: not applicable. Functional consequence: retained intron. Not counted in ClinVar's aggregate classification.

Dr. Peter K. Rogan Lab, Western University
No classification provided (evidence only). Condition: Acute myeloid leukemia. Review status: no classification provided. Collection method: in vitro. Allele origin: not applicable. Functional consequence: retained intron. Not counted in ClinVar's aggregate classification.

Literature cited by the submitters: PubMed 16199547 (cited by Labcorp Genetics (formerly Invitae), Labcorp); PubMed 17187068 (cited by Labcorp Genetics (formerly Invitae), Labcorp).

NM_006118.4(HAX1):c.317-2A>G

Gene: HAX1 (HCLS1 associated protein X-1; plus strand). Cytogenetic location: 1q21.3.
Variant type: single nucleotide variant.
Coding change: c.317-2A>G on transcript NM_006118.4 (MANE Select); the canonical splice acceptor site of the intron before coding-DNA position 317, A replaced by G.
Molecular consequence: splice acceptor variant.
Genome position (GRCh38, 1-based): chr1:154,273,772, A>G. VCF-style: chr1-154273772-A-G. GRCh37 (hg19) VCF-style: chr1-154246248-A-G.
Other names: c.173-2A>G (NM_001018837.2).
Identifiers: ClinVar variation 653855 (VCV000653855.15), dbSNP rs371504152, ClinGen allele CA1127327.